The following is an entry in ClinVar:

ClinVar aggregate classification (germline): Conflicting classifications of pathogenicity. Review status: criteria provided, conflicting classifications (1 of 4 stars). 4 submissions from 4 submitters: Uncertain significance (1); Likely benign (2). 1 of the submissions does not count toward it. Last evaluated 2025-12-30.

Conditions:
Peroxisome biogenesis disorder 11A (Zellweger). Also called: Peroxisome biogenesis disorder 11A. Identifiers: Orphanet 912, MedGen C3554000, MONDO:0013949, OMIM 614883.
PEX13-related disorder. Also called: PEX13-related disorders; PEX13-related condition.

Allele frequency attached by ClinVar (database versions not stated): gnomAD exomes 0.00003 and 0.00006; ExAC 0.00007; TOPMed 0.00020; gnomAD 0.00021; ESP Exome Variant Server 0.00038; 1000 Genomes Project 0.00060; 1000 Genomes Project 30x 0.00062.
gnomAD v4.1: 72 of 1,614,208 alleles (0.0045%); highest among the groups gnomAD compares: African/African-American, 0.093%; no homozygotes.

Submissions (4):

Labcorp Genetics (formerly Invitae), Labcorp
Classification: Likely benign for Peroxisome biogenesis disorder 11A (Zellweger). Last evaluated: 2025-12-30. Review status: criteria provided, single submitter. Criteria: Invitae Variant Classification Sherloc (09022015). Collection method: clinical testing. Allele origin: germline.

Blueprint Genetics
Classification: Likely benign. Last evaluated: 2024-01-23. Review status: criteria provided, single submitter. Criteria: ACMG Guidelines, 2015. Collection method: clinical testing. Allele origin: germline.

Eurofins Ntd Llc (ga)
Classification: Uncertain significance. Last evaluated: 2016-12-19. Review status: criteria provided, single submitter. Criteria: EGL Classification Definitions 2015. Collection method: clinical testing. Allele origin: germline. Observed: 2 variant alleles, 2 heterozygotes.

PreventionGenetics, part of Exact Sciences
Classification: Likely benign for PEX13-related condition. Last evaluated: 2020-11-23. Review status: no assertion criteria provided. Collection method: clinical testing. Allele origin: germline. Not counted in ClinVar's aggregate classification.
Comment: This variant is classified as likely benign based on ACMG/AMP sequence variant interpretation guidelines (Richards et al. 2015 PMID: 25741868, with internal and published modifications).

NM_002618.4(PEX13):c.354T>C (p.Phe118=)

Gene: PEX13 (peroxisomal biogenesis factor 13; plus strand). Cytogenetic location: 2p15.
Variant type: single nucleotide variant.
Coding change: c.354T>C on transcript NM_002618.4 (MANE Select); coding-DNA position 354, T replaced by C.
Protein change: p.Phe118=; no amino-acid change (phenylalanine 118 retained).
Molecular consequence: synonymous variant.
Genome position (GRCh38, 1-based): chr2:61,031,680, T>C. VCF-style: chr2-61031680-T-C. GRCh37 (hg19) VCF-style: chr2-61258815-T-C.
Identifiers: ClinVar variation 498549 (VCV000498549.18), dbSNP rs143378216, ClinGen allele CA1673287.